The following is an entry in ClinVar:

ClinVar aggregate classification (germline): Uncertain significance (1 of 4 stars; one submission).

Conditions:
Autosomal recessive mendelian susceptibility to mycobacterial diseases due to complete RORgamma receptor deficiency. Also called: Immunodeficiency 42. Identifiers: Orphanet 477857, MedGen C5567647, MONDO:0014710, OMIM 616622.

gnomAD v4.1: 4 of 1,614,166 alleles (0.00025%); highest among the groups gnomAD compares: South Asian, 0.0011%; no homozygotes.

Submission:

Labcorp Genetics (formerly Invitae), Labcorp
Classification: Uncertain significance for Autosomal recessive mendelian susceptibility to mycobacterial diseases due to complete RORgamma receptor deficiency. Last evaluated: 2024-11-11. Review status: criteria provided, single submitter. Criteria: Invitae Variant Classification Sherloc (09022015). Collection method: clinical testing. Allele origin: germline.
Comment: This sequence change replaces glutamic acid, which is acidic and polar, with lysine, which is basic and polar, at codon 326 of the RORC protein (p.Glu326Lys). This variant is present in population databases (rs760272311, gnomAD 0.0009%). This variant has not been reported in the literature in individuals affected with RORC-related conditions. An algorithm developed to predict the effect of missense changes on protein structure and function (PolyPhen-2) suggests that this variant is likely to be disruptive. In summary, the available evidence is currently insufficient to determine the role of this variant in disease. Therefore, it has been classified as a Variant of Uncertain Significance.

NM_005060.4(RORC):c.976G>A (p.Glu326Lys)

Gene: RORC (RAR related orphan receptor C; minus strand). Cytogenetic location: 1q21.3.
Variant type: single nucleotide variant.
Coding change: c.976G>A on transcript NM_005060.4 (MANE Select); coding-DNA position 976, G replaced by A.
Protein change: p.Glu326Lys; replaces glutamic acid 326 with lysine.
Molecular consequence: missense variant.
Genome position (GRCh38, 1-based): chr1:151,813,578, C>T on the plus strand (G>A on the coding strand, the complement: RORC is on the minus strand). VCF-style: chr1-151813578-C-T. GRCh37 (hg19) VCF-style: chr1-151786054-C-T.
Other names: c.913G>A, p.Glu305Lys (NM_001001523.2); short protein forms E326K, E305K.
Identifiers: ClinVar variation 3715963 (VCV003715963.2).